The following is an entry in ClinVar:

NM_001276345.2(TNNT2):c.395C>G (p.Ser132Cys)

Gene: TNNT2 (troponin T2, cardiac type; minus strand). Cytogenetic location: 1q32.1.
Variant type: single nucleotide variant.
Coding change: c.395C>G on transcript NM_001276345.2 (MANE Select); coding-DNA position 395, C replaced by G.
Protein change: p.Ser132Cys; replaces serine 132 with cysteine.
Molecular consequence: missense variant. On other transcripts: intron variant (1).
Genome position (GRCh38, 1-based): chr1:201,365,207, G>C on the plus strand (C>G on the coding strand, the complement: TNNT2 is on the minus strand). VCF-style: chr1-201365207-G-C. GRCh37 (hg19) VCF-style: chr1-201334335-G-C.
Other names: c.395C>G, p.Ser132Cys (NM_000364.4); c.365C>G, p.Ser122Cys (NM_001001430.3, NM_001001431.3, NM_001276347.2); c.350C>G, p.Ser117Cys (NM_001001432.3); c.291+403C>G (NM_001276346.2); short protein forms S132C, S122C, S117C.
Identifiers: ClinVar variation 1504448 (VCV001504448.8), dbSNP rs1659426786, ClinGen allele CA344206209.

ClinVar aggregate classification (germline): Uncertain significance (1 of 4 stars; one submission).

Conditions:
Hypertrophic cardiomyopathy 2. Also called: TNNT2-Related Familial Hypertrophic Cardiomyopathy. Identifiers: MedGen C1861864, MONDO:0007266, OMIM 115195.
Dilated cardiomyopathy 1D. Identifiers: Orphanet 154, Orphanet 54260, MedGen C1832243, MONDO:0011095, OMIM 601494.
Cardiomyopathy, familial restrictive, 3. Identifiers: Orphanet 75249, MedGen C2676271, MONDO:0012900, OMIM 612422.

Allele frequency attached by ClinVar (database versions not stated): gnomAD 0.00001; TOPMed 0.00001.

Submission:

Labcorp Genetics (formerly Invitae), Labcorp
Classification: Uncertain significance for Cardiomyopathy, familial restrictive, 3; Hypertrophic cardiomyopathy 2; Dilated cardiomyopathy 1D. Last evaluated: 2024-12-03. Review status: criteria provided, single submitter. Criteria: Invitae Variant Classification Sherloc (09022015). Collection method: clinical testing. Allele origin: germline.
Comment: This sequence change replaces serine, which is neutral and polar, with cysteine, which is neutral and slightly polar, at codon 122 of the TNNT2 protein (p.Ser122Cys). This variant is not present in population databases (gnomAD no frequency). This variant has not been reported in the literature in individuals affected with TNNT2-related conditions. ClinVar contains an entry for this variant (Variation ID: 1504448). Invitae Evidence Modeling of protein sequence and biophysical properties (such as structural, functional, and spatial information, amino acid conservation, physicochemical variation, residue mobility, and thermodynamic stability) indicates that this missense variant is not expected to disrupt TNNT2 protein function with a negative predictive value of 80%. In summary, the available evidence is currently insufficient to determine the role of this variant in disease. Therefore, it has been classified as a Variant of Uncertain Significance.